The following is an entry in ClinVar:

ClinVar aggregate classification (germline): Benign/Likely benign (0 of 4 stars; one submission).

Submission:

ISCA site 4
Classification: Benign/Likely benign. Last evaluated: 2012-09-21. Review status: no assertion criteria provided. Collection method: clinical testing. Allele origin: unknown. Affected: yes. Observed: 18 variant alleles. Clinical features observed: Developmental delay AND/OR other significant developmental or morphological phenotypes, Abnormality of head and neck (HP:0000152), Lissencephaly (HP:0001339), Autism (HP:0000717), Absent speech (HP:0001617), Coarctation of aorta (HP:0001680), Abnormality of the face (HP:0000271), Abnormality of the anus (HP:0004378), Microtia (HP:0008551), Global developmental delay (HP:0001263), Fusion of the cerebellar hemispheres (HP:0006899), Abnormality of the salivary glands (HP:0010286), and 3 more.
Comment: Likely benign (9), Benign (9)

Copy number variation identified through the course of routine clinical cytogenomic testing in postnatal populations, with clinical assertions as classified by the original submitter.

GRCh38/hg38 7q36.3(chr7:159257125-159265346)x1

Variant type: copy number loss.
Change: copy number 1 (one copy instead of two) of chr7:159,257,125-159,265,346 (8.2 kb, GRCh38 coordinates, 1-based), cytogenetic band 7q36.3.
Identifiers: ClinVar variation 144534 (VCV000144534.2).